The following is an entry in ClinVar:

NM_013382.7(POMT2):c.2078C>A (p.Ala693Asp)

Gene: POMT2 (protein O-mannosyltransferase 2; minus strand). Cytogenetic location: 14q24.3.
Variant type: single nucleotide variant.
Coding change: c.2078C>A on transcript NM_013382.7 (MANE Select); coding-DNA position 2078, C replaced by A.
Protein change: p.Ala693Asp; replaces alanine 693 with aspartic acid.
Molecular consequence: missense variant.
Genome position (GRCh38, 1-based): chr14:77,278,463, G>T on the plus strand (C>A on the coding strand, the complement: POMT2 is on the minus strand). VCF-style: chr14-77278463-G-T. GRCh37 (hg19) VCF-style: chr14-77744806-G-T.
Other names: short protein forms A693D.
Identifiers: ClinVar variation 3571939 (VCV003571939.2).

ClinVar aggregate classification (germline): Uncertain significance. Review status: criteria provided, multiple submitters, no conflicts (2 of 4 stars). 2 submissions from 2 submitters: Uncertain significance (2). Last evaluated 2025-06-19.

Conditions:
Inborn genetic diseases. Identifiers: MedGen C0950123, MeSH D030342.

gnomAD v4.1: 8 of 1,506,452 alleles (0.00053%); highest among the groups gnomAD compares: African/African-American, 0.0014%; no homozygotes.

Submissions (2):

Ambry Genetics
Classification: Uncertain significance for Inborn genetic diseases. Last evaluated: 2025-06-19. Review status: criteria provided, single submitter. Criteria: Ambry Variant Classification Scheme 2023. Collection method: clinical testing. Allele origin: germline.

Athena Diagnostics
Classification: Uncertain significance. Last evaluated: 2024-03-07. Review status: criteria provided, single submitter. Criteria: Athena Diagnostics Criteria. Collection method: clinical testing. Allele origin: unknown.
Comment: Available data are insufficient to determine the clinical significance of the variant at this time. The frequency of this variant in the general population is uninformative in assessment of its pathogenicity. Computational tools predict that this variant is not damaging.